The following is an entry in ClinVar:

NM_030665.4(RAI1):c.3490T>C (p.Ser1164Pro)

Gene: RAI1 (retinoic acid induced 1; plus strand). Cytogenetic location: 17p11.2.
Variant type: single nucleotide variant.
Coding change: c.3490T>C on transcript NM_030665.4 (MANE Select); coding-DNA position 3490, T replaced by C.
Protein change: p.Ser1164Pro; replaces serine 1164 with proline.
Molecular consequence: missense variant.
Genome position (GRCh38, 1-based): chr17:17,796,438, T>C. VCF-style: chr17-17796438-T-C. GRCh37 (hg19) VCF-style: chr17-17699752-T-C.
Other names: short protein forms S1164P.
Identifiers: ClinVar variation 1495529 (VCV001495529.8), dbSNP rs2143002673, ClinGen allele CA398553954.

ClinVar aggregate classification (germline): Uncertain significance (1 of 4 stars; one submission).

Submission:

Labcorp Genetics (formerly Invitae), Labcorp
Classification: Uncertain significance. Last evaluated: 2021-02-14. Review status: criteria provided, single submitter. Criteria: Invitae Variant Classification Sherloc (09022015). Collection method: clinical testing. Allele origin: germline.
Comment: In summary, the available evidence is currently insufficient to determine the role of this variant in disease. Therefore, it has been classified as a Variant of Uncertain Significance. Algorithms developed to predict the effect of missense changes on protein structure and function (SIFT, PolyPhen-2, Align-GVGD) all suggest that this variant is likely to be tolerated, but these predictions have not been confirmed by published functional studies and their clinical significance is uncertain. This variant has not been reported in the literature in individuals with RAI1-related conditions. This variant is not present in population databases (ExAC no frequency). This sequence change replaces serine with proline at codon 1164 of the RAI1 protein (p.Ser1164Pro). The serine residue is moderately conserved and there is a moderate physicochemical difference between serine and proline.